The following is an entry in ClinVar:

ClinVar aggregate classification (germline): Uncertain significance (1 of 4 stars; one submission).

Conditions:
Hereditary cancer-predisposing syndrome. Also called: Tumor predisposition; Hereditary Cancer Syndrome; Hereditary neoplastic syndrome; Neoplastic Syndromes, Hereditary. Identifiers: Orphanet 140162, MedGen C0027672, MeSH D009386, MONDO:0015356.

Submission:

Ambry Genetics
Classification: Uncertain significance for Hereditary cancer-predisposing syndrome. Last evaluated: 2023-07-08. Review status: criteria provided, single submitter. Criteria: Ambry Variant Classification Scheme 2023. Collection method: clinical testing. Allele origin: germline.
Comment: The p.D12N variant (also known as c.34G>A), located in coding exon 1 of the PTCH1 gene, results from a G to A substitution at nucleotide position 34. The aspartic acid at codon 12 is replaced by asparagine, an amino acid with highly similar properties. This amino acid position is conserved. In addition, this alteration is predicted to be tolerated by in silico analysis. Since supporting evidence is limited at this time, the clinical significance of this alteration remains unclear.

NM_000264.5(PTCH1):c.34G>A (p.Asp12Asn)

Genes: PTCH1 (patched 1; minus strand), LOC130002133 (ATAC-STARR-seq lymphoblastoid silent region 20071; plus strand). Cytogenetic location: 9q22.32.
Variant type: single nucleotide variant.
Coding change: c.34G>A on transcript NM_000264.5 (MANE Select); coding-DNA position 34, G replaced by A.
Protein change: p.Asp12Asn; replaces aspartic acid 12 with asparagine.
Molecular consequence: missense variant. On other transcripts: non-coding transcript variant (1), intron variant (3).
Genome position (GRCh38, 1-based): chr9:95,508,328, C>T on the plus strand (G>A on the coding strand, the complement: PTCH1 is on the minus strand). VCF-style: chr9-95508328-C-T. GRCh37 (hg19) VCF-style: chr9-98270610-C-T.
Other names: c.34G>A, p.Asp12Asn (NM_001354918.2); c.199-1729G>A (NM_001083603.3); c.4-1729G>A (NM_001083602.3, NM_001354919.2); short protein forms D12N.
Identifiers: ClinVar variation 2626224 (VCV002626224.2), dbSNP rs2538404636, ClinGen allele CA374121600.